The following is an entry in ClinVar:

ClinVar aggregate classification (germline): Uncertain significance (1 of 4 stars; one submission).

Submission:

CeGaT Center for Human Genetics Tuebingen
Classification: Uncertain significance. Last evaluated: 2024-12-01. Review status: criteria provided, single submitter. Criteria: CeGaT Center For Human Genetics Tuebingen Variant Classification Criteria Version 2. Collection method: clinical testing. Allele origin: germline. Affected: yes. Observed: 1 variant allele.
Comment: SYK: PM2

NM_003177.7(SYK):c.3G>A (p.Met1Ile)

Gene: SYK (spleen associated tyrosine kinase; plus strand). Cytogenetic location: 9q22.2.
Variant type: single nucleotide variant.
Coding change: c.3G>A on transcript NM_003177.7 (MANE Select); coding-DNA position 3, G replaced by A.
Protein change: p.Met1Ile; changes the start codon (methionine 1).
Molecular consequence: missense variant, initiator codon variant.
Genome position (GRCh38, 1-based): chr9:90,843,901, G>A. VCF-style: chr9-90843901-G-A. GRCh37 (hg19) VCF-style: chr9-93606183-G-A.
Other names: c.3G>A, p.Met1Ile (NM_001135052.4, NM_001174167.3, NM_001174168.3); short protein forms M1I.
Identifiers: ClinVar variation 3771614 (VCV003771614.13).